The following is an entry in ClinVar:

NM_152295.5(TARS1):c.708A>G (p.Lys236=)

Gene: TARS1 (threonyl-tRNA synthetase 1; plus strand). Cytogenetic location: 5p13.3.
Variant type: single nucleotide variant.
Coding change: c.708A>G on transcript NM_152295.5 (MANE Select); coding-DNA position 708, A replaced by G.
Protein change: p.Lys236=; no amino-acid change (lysine 236 retained).
Molecular consequence: synonymous variant. On other transcripts: non-coding transcript variant (3).
Genome position (GRCh38, 1-based): chr5:33,456,016, A>G. VCF-style: chr5-33456016-A-G. GRCh37 (hg19) VCF-style: chr5-33456121-A-G.
Other names: c.708A>G, p.Lys236= (NM_001258437.1); c.807A>G, p.Lys269= (NM_001258438.2).
Identifiers: ClinVar variation 4822481 (VCV004822481.4).

ClinVar aggregate classification (germline): Likely benign (1 of 4 stars; one submission).

gnomAD v4.1: 4 of 1,613,748 alleles (0.00025%); highest among the groups gnomAD compares: African/African-American, 0.0053%; no homozygotes.

Submission:

CeGaT Center for Human Genetics Tuebingen
Classification: Likely benign. Last evaluated: 2026-01-01. Review status: criteria provided, single submitter. Criteria: CeGaT Center For Human Genetics Tuebingen Variant Classification Criteria Version 2. Collection method: clinical testing. Allele origin: germline. Affected: yes. Observed: 1 variant allele.
Comment: TARS1: BP4, BP7